The following is an entry in ClinVar:

NM_201384.3(PLEC):c.721G>A (p.Val241Met)

Gene: PLEC (plectin; minus strand). Cytogenetic location: 8q24.3.
Variant type: single nucleotide variant.
Coding change: c.721G>A on transcript NM_201384.3 (MANE Select); coding-DNA position 721, G replaced by A.
Protein change: p.Val241Met; replaces valine 241 with methionine.
Molecular consequence: missense variant.
Genome position (GRCh38, 1-based): chr8:143,935,115, C>T on the plus strand (G>A on the coding strand, the complement: PLEC is on the minus strand). VCF-style: chr8-143935115-C-T. GRCh37 (hg19) VCF-style: chr8-145009283-C-T.
Other names: c.802G>A, p.Val268Met (NM_000445.5); c.679G>A, p.Val227Met (NM_201378.4); c.655G>A, p.Val219Met (NM_201379.3); c.1132G>A, p.Val378Met (NM_201380.4); c.625G>A, p.Val209Met (NM_201381.3); c.721G>A, p.Val241Met (NM_201382.4); c.733G>A, p.Val245Met (NM_201383.3); short protein forms V227M, V209M, V245M, V268M, V219M, V241M, V378M.
Identifiers: ClinVar variation 1442599 (VCV001442599.9), dbSNP rs1213427822, ClinGen allele CA372587397.

ClinVar aggregate classification (germline): Uncertain significance. Review status: criteria provided, multiple submitters, no conflicts (2 of 4 stars). 2 submissions from 2 submitters: Uncertain significance (2). Last evaluated 2024-07-09.

Conditions:
Epidermolysis bullosa simplex 5B, with muscular dystrophy (EBS5B). Also called: Epidermolysis bullosa simplex with muscular dystrophy; EPIDERMOLYSIS BULLOSA SIMPLEX AND LIMB-GIRDLE MUSCULAR DYSTROPHY. Identifiers: Orphanet 257, MedGen C2931072, MONDO:0009181, OMIM 226670.
Epidermolysis bullosa simplex, Ogna type (EBS5A). Also called: Pidermolysis bullosa simplex 5A, Ogna type; EPIDERMOLYSIS BULLOSA SIMPLEX 5A, OGNA TYPE. Identifiers: Orphanet 79401, MedGen C0432317, MONDO:0007555, OMIM 131950.
Epidermolysis bullosa simplex with nail dystrophy (EBS5D). Identifiers: MedGen C4225309, MONDO:0014661, OMIM 616487.
Epidermolysis bullosa simplex 5C, with pyloric atresia (EBS5C). Also called: Epidermolysis bullosa simplex with pyloric atresia; PLEC-Related Epidermolysis Bullosa with Pyloric Atresia; PLEC1-Related Epidermolysis Bullosa with Pyloric Atresia. Identifiers: Orphanet 158684, MedGen C2677349, MONDO:0012807, OMIM 612138.
Autosomal recessive limb-girdle muscular dystrophy type 2Q (LGMDR17). Also called: MUSCULAR DYSTROPHY, LIMB-GIRDLE, AUTOSOMAL RECESSIVE 17. Identifiers: Orphanet 254361, MedGen C3150989, MONDO:0013390, OMIM 613723.

Allele frequency attached by ClinVar (database versions not stated): gnomAD exomes below 0.00001; TOPMed below 0.00001.

Submissions (2):

Revvity Omics, Revvity
Classification: Uncertain significance. Last evaluated: 2024-07-09. Review status: criteria provided, single submitter. Criteria: ACMG Guidelines, 2015. Collection method: clinical testing. Allele origin: germline.

Labcorp Genetics (formerly Invitae), Labcorp
Classification: Uncertain significance for Autosomal recessive limb-girdle muscular dystrophy type 2Q; Epidermolysis bullosa simplex, Ogna type; Epidermolysis bullosa simplex with nail dystrophy; Epidermolysis bullosa simplex 5C, with pyloric atresia; Epidermolysis bullosa simplex 5B, with muscular dystrophy. Last evaluated: 2023-08-14. Review status: criteria provided, single submitter. Criteria: Invitae Variant Classification Sherloc (09022015). Collection method: clinical testing. Allele origin: germline.
Comment: This sequence change replaces valine, which is neutral and non-polar, with methionine, which is neutral and non-polar, at codon 268 of the PLEC protein (p.Val268Met). This variant is present in population databases (no rsID available, gnomAD 0.003%). This variant has not been reported in the literature in individuals affected with PLEC-related conditions. ClinVar contains an entry for this variant (Variation ID: 1442599). Experimental studies and prediction algorithms are not available or were not evaluated, and the functional significance of this variant is currently unknown. In summary, the available evidence is currently insufficient to determine the role of this variant in disease. Therefore, it has been classified as a Variant of Uncertain Significance.